The following is an entry in ClinVar:

NM_017514.5(PLXNA3):c.2678+9G>A

Gene: PLXNA3 (plexin A3; plus strand). Cytogenetic location: Xq28.
Variant type: single nucleotide variant.
Coding change: c.2678+9G>A on transcript NM_017514.5 (MANE Select); 9 bases into the intron after coding-DNA position 2678, G replaced by A.
Molecular consequence: intron variant.
Genome position (GRCh38, 1-based): chrX:154,466,089, G>A. VCF-style: chrX-154466089-G-A. GRCh37 (hg19) VCF-style: chrX-153694432-G-A.
Identifiers: ClinVar variation 3034973 (VCV003034973.2), dbSNP rs1206186201, ClinGen allele CA645290858.

ClinVar aggregate classification (germline): Likely benign (0 of 4 stars; one submission).

Conditions:
PLXNA3-related disorder. Also called: PLXNA3-related condition.

Allele frequency attached by ClinVar (database versions not stated): TOPMed 0.00003; gnomAD 0.00005.

Submission:

PreventionGenetics, part of Exact Sciences
Classification: Likely benign for PLXNA3-related condition. Last evaluated: 2019-08-01. Review status: no assertion criteria provided. Collection method: clinical testing. Allele origin: germline.
Comment: This variant is classified as likely benign based on ACMG/AMP sequence variant interpretation guidelines (Richards et al. 2015 PMID: 25741868, with internal and published modifications).